The following is an entry in ClinVar:

NM_000127.3(EXT1):c.1677_1678insTGTCATCACAGAC (p.Ala560fs)

Gene: EXT1 (exostosin glycosyltransferase 1; minus strand). Cytogenetic location: 8q24.11.
Variant type: Insertion.
Coding change: c.1677_1678insTGTCATCACAGAC on transcript NM_000127.3 (MANE Select); coding-DNA positions 1677 to 1678, TGTCATCACAGAC inserted.
Protein change: p.Ala560fs; shifts the reading frame from alanine 560.
Molecular consequence: frameshift variant.
Genome position: GRCh38 VCF-style: chr8-117812916-C-CGTCTGTGATGACA. GRCh37 (hg19) VCF-style: chr8-118825155-C-CGTCTGTGATGACA.
Other names: short protein forms A560fs.
Identifiers: ClinVar variation 840333 (VCV000840333.7), dbSNP rs1823352329, ClinGen allele CA916081517.

ClinVar aggregate classification (germline): Pathogenic (1 of 4 stars; one submission).

Conditions:
Multiple congenital exostosis (EXT). Also called: MULTIPLE CARTILAGINOUS EXOSTOSES; Hereditary multiple exostoses; Hereditary multiple exostosis; Multiple exostoses; Multiple osteochondromas; Hereditary multiple osteochondromas. Identifiers: Orphanet 321, MedGen C0015306, MONDO:0005508, HP:0002762.

Submission:

Labcorp Genetics (formerly Invitae), Labcorp
Classification: Pathogenic for Multiple congenital exostosis. Last evaluated: 2019-12-11. Review status: criteria provided, single submitter. Criteria: Invitae Variant Classification Sherloc (09022015). Collection method: clinical testing. Allele origin: germline.
Comment: Loss-of-function variants in EXT1 are known to be pathogenic (PMID: 10679937, 11391482, 19810120). Algorithms developed to predict the effect of sequence changes on RNA splicing suggest that this variant may create or strengthen a splice site, but this prediction has not been confirmed by published transcriptional studies. This variant has not been reported in the literature in individuals with EXT1-related conditions. This variant is not present in population databases (ExAC no frequency). This sequence change creates a premature translational stop signal (p.Ala560Cysfs*10) in the EXT1 gene. It is expected to result in an absent or disrupted protein product. For these reasons, this variant has been classified as Pathogenic.

Literature cited by the submitters: PubMed 10679937; PubMed 11391482; PubMed 19810120.